The following is an entry in ClinVar:

NM_015450.3(POT1):c.255+2T>G

Gene: POT1 (protection of telomeres 1; minus strand). Cytogenetic location: 7q31.33.
Variant type: single nucleotide variant.
Coding change: c.255+2T>G on transcript NM_015450.3 (MANE Select); the canonical splice donor site of the intron after coding-DNA position 255, T replaced by G.
Molecular consequence: splice donor variant. On other transcripts: intron variant (1).
Genome position (GRCh38, 1-based): chr7:124,870,909, A>C on the plus strand (T>G on the coding strand, the complement: POT1 is on the minus strand). VCF-style: chr7-124870909-A-C. GRCh37 (hg19) VCF-style: chr7-124510963-A-C.
Other names: c.-138-7269T>G (NM_001042594.2).
Identifiers: ClinVar variation 3936266 (VCV003936266.1).

ClinVar aggregate classification (germline): Likely pathogenic (1 of 4 stars; one submission).

Conditions:
Hereditary cancer-predisposing syndrome. Also called: Tumor predisposition; Hereditary neoplastic syndrome; Hereditary Cancer Syndrome; Neoplastic Syndromes, Hereditary. Identifiers: Orphanet 140162, MedGen C0027672, MeSH D009386, MONDO:0015356.

gnomAD v4.1: 1 of 1,601,988 alleles (0.000062%); highest among the groups gnomAD compares: African/African-American, 0.0013%; no homozygotes.

Submission:

Ambry Genetics
Classification: Likely pathogenic for Hereditary cancer-predisposing syndrome. Last evaluated: 2025-03-18. Review status: criteria provided, single submitter. Criteria: Ambry Variant Classification Scheme 2023. Collection method: clinical testing. Allele origin: germline.
Comment: The c.255+2T>G intronic variant results from a T to G substitution two nucleotides after coding exon 3 in the POT1 gene. This nucleotide position is highly conserved in available vertebrate species. In silico splice site analysis predicts that this alteration will weaken the native splice donor site; however, direct evidence is insufficient at this time (Ambry internal data). Alterations that disrupt the canonical splice site are expected to cause aberrant splicing, resulting in an abnormal protein or a transcript that is subject to nonsense-mediated mRNA decay. As such, this alteration is classified as likely pathogenic.